The following is an entry in ClinVar:

ClinVar aggregate classification (germline): Uncertain significance (1 of 4 stars; one submission).

Conditions:
Inborn genetic diseases. Identifiers: MedGen C0950123, MeSH D030342.

Allele frequency attached by ClinVar (database versions not stated): 1000 Genomes Project 0.00020; 1000 Genomes Project 30x 0.00031; ESP Exome Variant Server 0.00062.
gnomAD v4.1: 140 of 1,614,146 alleles (0.0087%); highest among the groups gnomAD compares: African/African-American, 0.052%; no homozygotes.

Submission:

Ambry Genetics
Classification: Uncertain significance for Inborn genetic diseases. Last evaluated: 2021-01-27. Review status: criteria provided, single submitter. Criteria: Ambry Variant Classification Scheme 2023. Collection method: clinical testing. Allele origin: germline.
Comment: The c.3251C>T (p.P1084L) alteration is located in exon 4 (coding exon 4) of the PCDH12 gene. This alteration results from a C to T substitution at nucleotide position 3251, causing the proline (P) at amino acid position 1084 to be replaced by a leucine (L). The p.P1084L alteration is predicted to be tolerated by in silico analysis. Based on insufficient or conflicting evidence, the clinical significance of this alteration remains unclear.

NM_016580.4(PCDH12):c.3251C>T (p.Pro1084Leu)

Gene: PCDH12 (protocadherin 12; minus strand). Cytogenetic location: 5q31.3.
Variant type: single nucleotide variant.
Coding change: c.3251C>T on transcript NM_016580.4 (MANE Select); coding-DNA position 3251, C replaced by T.
Protein change: p.Pro1084Leu; replaces proline 1084 with leucine.
Molecular consequence: missense variant.
Genome position (GRCh38, 1-based): chr5:141,945,685, G>A on the plus strand (C>T on the coding strand, the complement: PCDH12 is on the minus strand). VCF-style: chr5-141945685-G-A. GRCh37 (hg19) VCF-style: chr5-141325250-G-A.
Other names: short protein forms P1084L.
Identifiers: ClinVar variation 3209141 (VCV003209141.1), dbSNP rs138061122, ClinGen allele CA3484012.
Genomic context (GRCh38, chr5:141,945,685, plus strand): 5'-CTCGTGCCTGTTGGGCTCAGCTCTGGTGCCTCTGCCTTGCCGAACGTCTGGAAGGTCCTT[G>A]GCTCCTCCGTGGCTGCAGCATCCGGGGAGATCACATTGTCACGGTAGTTGGTGGTGAGGG-3'
Protein context (NP_057664.1, residues 1074-1094): ISPDAAATEE[Pro1084Leu]RTFQTFGKAE